The following is an entry in ClinVar:

ClinVar aggregate classification (germline): Uncertain significance. Review status: criteria provided, multiple submitters, no conflicts (2 of 4 stars). 5 submissions from 5 submitters: Uncertain significance (4). 1 of the submissions does not count toward it. Last evaluated 2024-09-23.

Conditions:
Glycogen storage disease, type II (IOPD). Also called: Pompe Disease; CARDIOMEGALIA GLYCOGENICA DIFFUSA; POMPE DISEASE, INFANTILE-ONSET; GLYCOGEN STORAGE DISEASE II, INFANTILE-ONSET; ACID ALPHA-GLUCOSIDASE DEFICIENCY, INFANTILE-ONSET; GAA DEFICIENCY, INFANTILE-ONSET. Identifiers: Orphanet 365, MedGen C0017921, MONDO:0009290, OMIM 232300.

Allele frequency attached by ClinVar (database versions not stated): ExAC 0.00001; gnomAD 0.00001; gnomAD exomes 0.00001.
gnomAD v4.1: 18 of 1,612,758 alleles (0.0011%); highest among the groups gnomAD compares: African/African-American, 0.004%; no homozygotes.

Submissions (5):

Blueprint Genetics
Classification: Uncertain significance. Last evaluated: 2024-09-23. Review status: criteria provided, single submitter. Criteria: ACMG Guidelines, 2015. Collection method: clinical testing. Allele origin: germline.

Revvity Omics, Revvity
Classification: Uncertain significance. Last evaluated: 2023-06-01. Review status: criteria provided, single submitter. Criteria: ACMG Guidelines, 2015. Collection method: clinical testing. Allele origin: germline.

Labcorp Genetics (formerly Invitae), Labcorp
Classification: Uncertain significance for Glycogen storage disease, type II. Last evaluated: 2022-04-12. Review status: criteria provided, single submitter. Criteria: Invitae Variant Classification Sherloc (09022015). Collection method: clinical testing. Allele origin: germline.
Comment: This sequence change replaces arginine, which is basic and polar, with histidine, which is basic and polar, at codon 154 of the GAA protein (p.Arg154His). This variant is present in population databases (rs781124934, gnomAD 0.004%). This variant has not been reported in the literature in individuals affected with GAA-related conditions. ClinVar contains an entry for this variant (Variation ID: 934505). Advanced modeling of protein sequence and biophysical properties (such as structural, functional, and spatial information, amino acid conservation, physicochemical variation, residue mobility, and thermodynamic stability) performed at Invitae indicates that this missense variant is expected to disrupt GAA protein function. In summary, the available evidence is currently insufficient to determine the role of this variant in disease. Therefore, it has been classified as a Variant of Uncertain Significance.

Fulgent Genetics
Classification: Uncertain significance for Glycogen storage disease, type II. Last evaluated: 2022-02-08. Review status: criteria provided, single submitter. Criteria: ACMG Guidelines, 2015. Collection method: clinical testing. Allele origin: unknown.

Natera, Inc.
Classification: Uncertain significance for Glycogen storage disease type II. Last evaluated: 2021-05-25. Review status: no assertion criteria provided. Collection method: clinical testing. Allele origin: germline. Not counted in ClinVar's aggregate classification.

NM_000152.5(GAA):c.461G>A (p.Arg154His)

Gene: GAA (alpha glucosidase; plus strand). Cytogenetic location: 17q25.3.
Variant type: single nucleotide variant.
Coding change: c.461G>A on transcript NM_000152.5 (MANE Select); coding-DNA position 461, G replaced by A.
Protein change: p.Arg154His; replaces arginine 154 with histidine.
Molecular consequence: missense variant.
Genome position (GRCh38, 1-based): chr17:80,105,047, G>A. VCF-style: chr17-80105047-G-A. GRCh37 (hg19) VCF-style: chr17-78078846-G-A.
Other names: c.461G>A, p.Arg154His (NM_001079803.3, NM_001079804.3); short protein forms R154H.
Identifiers: ClinVar variation 934505 (VCV000934505.13), dbSNP rs781124934, ClinGen allele CA8814877.